The following is an entry in ClinVar:

ClinVar aggregate classification (germline): Uncertain significance. Review status: criteria provided, multiple submitters, no conflicts (2 of 4 stars). 2 submissions from 2 submitters: Uncertain significance (2). Last evaluated 2025-10-04.

Allele frequency attached by ClinVar (database versions not stated): gnomAD 0.00001; gnomAD exomes 0.00001; TOPMed 0.00001.
gnomAD v4.1: 6 of 1,578,802 alleles (0.00038%); highest among the groups gnomAD compares: East Asian, 0.014%; no homozygotes.

Submissions (2):

Labcorp Genetics (formerly Invitae), Labcorp
Classification: Uncertain significance. Last evaluated: 2025-10-04. Review status: criteria provided, single submitter. Criteria: Invitae Variant Classification Sherloc (09022015). Collection method: clinical testing. Allele origin: germline.
Comment: This sequence change replaces glutamine, which is neutral and polar, with arginine, which is basic and polar, at codon 573 of the DUOX2 protein (p.Gln573Arg). This variant is present in population databases (rs748027232, gnomAD 0.03%). This missense change has been observed in individual(s) with congenital hypothyroidism (PMID: 33631011). ClinVar contains an entry for this variant (Variation ID: 2504050). Invitae Evidence Modeling of protein sequence and biophysical properties (such as structural, functional, and spatial information, amino acid conservation, physicochemical variation, residue mobility, and thermodynamic stability) indicates that this missense variant is expected to disrupt DUOX2 protein function with a positive predictive value of 80%. In summary, the available evidence is currently insufficient to determine the role of this variant in disease. Therefore, it has been classified as a Variant of Uncertain Significance.

Women's Health and Genetics/Laboratory Corporation of America, LabCorp
Classification: Uncertain significance. Last evaluated: 2024-06-12. Review status: criteria provided, single submitter. Criteria: LabCorp Variant Classification Summary - May 2015. Collection method: clinical testing. Allele origin: germline.
Comment: Variant summary: DUOX2 c.1718A>G (p.Gln573Arg) results in a conservative amino acid change located in the Dual oxidase, peroxidase domain (IPR034821) of the encoded protein sequence. Three of five in-silico tools predict a benign effect of the variant on protein function. The variant allele was found at a frequency of 1.6e-05 in 192786 control chromosomes. The available data on variant occurrences in the general population are insufficient to allow any conclusion about variant significance. c.1718A>G has been reported in the literature in individuals affected with Congenital Hypothyroidism wihtout reported genotype (e.g. Wang_2021). This report does not provide unequivocal conclusions about association of the variant with Thyroid Dyshormonogenesis 6. To our knowledge, no experimental evidence demonstrating an impact on protein function has been reported. The following publication has been ascertained in the context of this evaluation (PMID: 33631011). ClinVar contains an entry for this variant (Variation ID: 2504050). Based on the evidence outlined above, the variant was classified as uncertain significance.

Literature cited by the submitters: PubMed 33631011 (cited by Labcorp Genetics (formerly Invitae), Labcorp and Women's Health and Genetics/Laboratory Corporation of America, LabCorp).

NM_001363711.2(DUOX2):c.1718A>G (p.Gln573Arg)

Gene: DUOX2 (dual oxidase 2; minus strand). Cytogenetic location: 15q21.1.
Variant type: single nucleotide variant.
Coding change: c.1718A>G on transcript NM_001363711.2 (MANE Select); coding-DNA position 1718, A replaced by G.
Protein change: p.Gln573Arg; replaces glutamine 573 with arginine.
Molecular consequence: missense variant.
Genome position (GRCh38, 1-based): chr15:45,106,945, T>C on the plus strand (A>G on the coding strand, the complement: DUOX2 is on the minus strand). VCF-style: chr15-45106945-T-C. GRCh37 (hg19) VCF-style: chr15-45399143-T-C.
Other names: c.1718A>G, p.Gln573Arg (NM_014080.5); c.1718A>G (NM_014080.4); short protein forms Q573R.
Identifiers: ClinVar variation 2504050 (VCV002504050.3), dbSNP rs748027232, ClinGen allele CA7538510.